The following is an entry in ClinVar:

NM_001111125.3(IQSEC2):c.1075C>A (p.Arg359Ser)

Gene: IQSEC2 (IQ motif and Sec7 domain ArfGEF 2; minus strand). Cytogenetic location: Xp11.22.
Variant type: single nucleotide variant.
Coding change: c.1075C>A on transcript NM_001111125.3 (MANE Select); coding-DNA position 1075, C replaced by A.
Protein change: p.Arg359Ser; replaces arginine 359 with serine.
Molecular consequence: missense variant.
Genome position (GRCh38, 1-based): chrX:53,254,856, G>T on the plus strand (C>A on the coding strand, the complement: IQSEC2 is on the minus strand). VCF-style: chrX-53254856-G-T. GRCh37 (hg19) VCF-style: chrX-53284038-G-T.
Other names: c.1075C>A, p.Arg359Ser (NM_001410736.1, NM_001441092.1); c.577C>A, p.Arg193Ser (NM_001441093.1); c.364C>A, p.Arg122Ser (NM_001441094.1, NM_001441095.1); c.460C>A, p.Arg154Ser (NM_015075.2); short protein forms R122S, R154S, R193S, R359S.
Identifiers: ClinVar variation 4891380 (VCV004891380.1).

ClinVar aggregate classification (germline): Likely pathogenic (1 of 4 stars; one submission).

Submission:

GeneDx
Classification: Likely pathogenic. Last evaluated: 2026-03-13. Review status: criteria provided, single submitter. Criteria: GeneDx Variant Classification Process June 2021. Collection method: clinical testing. Allele origin: germline.
Comment: In silico analysis supports that this missense variant has a deleterious effect on protein structure/function; Not observed at significant frequency in large population cohorts (gnomAD); Has not been previously published as pathogenic or benign to our knowledge; This variant is associated with the following publications: (PMID: 20473311)